The following is an entry in ClinVar:

ClinVar aggregate classification (germline): Uncertain significance (1 of 4 stars; one submission).

Conditions:
Myofibrillar myopathy 6. Identifiers: Orphanet 199340, MedGen C2751831, MONDO:0013061, OMIM 612954.
Dilated cardiomyopathy 1HH (CMD1HH). Identifiers: Orphanet 154, MedGen C3151293, MONDO:0013479, OMIM 613881.

Submission:

Labcorp Genetics (formerly Invitae), Labcorp
Classification: Uncertain significance for Dilated cardiomyopathy 1HH; Myofibrillar myopathy 6. Last evaluated: 2023-03-23. Review status: criteria provided, single submitter. Criteria: Invitae Variant Classification Sherloc (09022015). Collection method: clinical testing. Allele origin: germline.
Comment: In summary, the available evidence is currently insufficient to determine the role of this variant in disease. Therefore, it has been classified as a Variant of Uncertain Significance. This sequence change replaces arginine, which is basic and polar, with glycine, which is neutral and non-polar, at codon 485 of the BAG3 protein (p.Arg485Gly). This variant is not present in population databases (gnomAD no frequency). This variant has not been reported in the literature in individuals affected with BAG3-related conditions. ClinVar contains an entry for this variant (Variation ID: 1464430). Advanced modeling of protein sequence and biophysical properties (such as structural, functional, and spatial information, amino acid conservation, physicochemical variation, residue mobility, and thermodynamic stability) has been performed at Invitae for this missense variant, however the output from this modeling did not meet the statistical confidence thresholds required to predict the impact of this variant on BAG3 protein function.

NM_004281.4(BAG3):c.1453A>G (p.Arg485Gly)

Gene: BAG3 (BAG cochaperone 3; plus strand). Cytogenetic location: 10q26.11.
Variant type: single nucleotide variant.
Coding change: c.1453A>G on transcript NM_004281.4 (MANE Select); coding-DNA position 1453, A replaced by G.
Protein change: p.Arg485Gly; replaces arginine 485 with glycine.
Molecular consequence: missense variant.
Genome position (GRCh38, 1-based): chr10:119,677,007, A>G. VCF-style: chr10-119677007-A-G. GRCh37 (hg19) VCF-style: chr10-121436519-A-G.
Other names: short protein forms R485G.
Identifiers: ClinVar variation 1464430 (VCV001464430.6), dbSNP rs2134069371, ClinGen allele CA378297347.